The following is an entry in ClinVar:

NM_007194.4(CHEK2):c.256G>A (p.Glu86Lys)

Gene: CHEK2 (checkpoint kinase 2; minus strand). Cytogenetic location: 22q12.1.
Variant type: single nucleotide variant.
Coding change: c.256G>A on transcript NM_007194.4 (MANE Select); coding-DNA position 256, G replaced by A.
Protein change: p.Glu86Lys; replaces glutamic acid 86 with lysine.
Molecular consequence: missense variant.
Genome position (GRCh38, 1-based): chr22:28,734,466, C>T on the plus strand (G>A on the coding strand, the complement: CHEK2 is on the minus strand). VCF-style: chr22-28734466-C-T. GRCh37 (hg19) VCF-style: chr22-29130454-C-T.
Other names: p.Glu86Lys; c.256G>A, p.Glu86Lys (NM_001005735.3, NM_001349956.3, NM_145862.3); c.-522G>A (NM_001257387.3); short protein forms E86K.
Identifiers: ClinVar variation 582855 (VCV000582855.10), dbSNP rs551930027, ClinGen allele CA411090547.
Genomic context (GRCh38, chr22:28,734,466, plus strand): 5'-GATTGGCAAATCCATCCTGAAGGGCCCATAATCGAGCCCAGGGGGCAGGGGTAGGCTCCT[C>T]AGGTTCTTGGTCCTCAGGTTCTTGGTCCTCAGGAATAGAATAGAGTTCCTGAGTGGACAC-3'
Protein context (NP_009125.1, residues 76-96): EDQEPEDQEP[Glu86Lys]EPTPAPWARL

ClinVar aggregate classification (germline): Uncertain significance. Review status: criteria provided, multiple submitters, no conflicts (2 of 4 stars). 2 submissions from 2 submitters: Uncertain significance (2). Last evaluated 2023-05-04.

Conditions:
Familial cancer of breast. Also called: Hereditary breast cancer; hereditary breast carcinoma; BREAST CANCER, FAMILIAL. Identifiers: Orphanet 227535, MedGen C0346153, MONDO:0016419, OMIM 114480. Disease mechanism: loss of function.

Submissions (2):

Mayo Clinic Laboratories, Mayo Clinic
Classification: Uncertain significance. Last evaluated: 2023-05-04. Review status: criteria provided, single submitter. Criteria: ACMG Guidelines, 2015. Collection method: clinical testing. Allele origin: germline. Observed: 2 variant alleles.
Comment: BP4, PM2

Labcorp Genetics (formerly Invitae), Labcorp
Classification: Uncertain significance for Familial cancer of breast. Last evaluated: 2018-01-08. Review status: criteria provided, single submitter. Criteria: Invitae Variant Classification Sherloc (09022015). Collection method: clinical testing. Allele origin: germline.
Comment: This sequence change replaces glutamic acid with lysine at codon 86 of the CHEK2 protein (p.Glu86Lys). The glutamic acid residue is highly conserved and there is a small physicochemical difference between glutamic acid and lysine. This variant is not present in population databases (ExAC no frequency). This variant has not been reported in the literature in individuals with CHEK2-related disease. Algorithms developed to predict the effect of missense changes on protein structure and function do not agree on the potential impact of this missense change (SIFT: "Deleterious"; PolyPhen-2: "Possibly Damaging"; Align-GVGD: "Class C15"). In summary, the available evidence is currently insufficient to determine the role of this variant in disease. Therefore, it has been classified as a Variant of Uncertain Significance.